The following is an entry in ClinVar:

NM_004985.5(KRAS):c.197_198delinsACCAGTAC (p.Ala66delinsAspGlnTyr)

Gene: KRAS (KRas proto-oncogene, GTPase; minus strand). Cytogenetic location: 12p12.1.
Variant type: Indel.
Coding change: c.197_198delinsACCAGTAC on transcript NM_004985.5 (MANE Select); coding-DNA positions 197 to 198, CA replaced by ACCAGTAC.
Protein change: p.Ala66delinsAspGlnTyr.
Molecular consequence: inframe indel.
Genome position (GRCh38, 1-based): chr12:25,227,326-25,227,327, TG replaced by GTACTGGT on the plus strand (CA replaced by ACCAGTAC on the coding strand, the reverse complement: KRAS is on the minus strand). VCF-style: chr12-25227326-TG-GTACTGGT. GRCh37 (hg19) VCF-style: chr12-25380260-TG-GTACTGGT.
Other names: c.197_198delinsACCAGTAC, p.Ala66delinsAspGlnTyr (NM_001369786.1, NM_001369787.1, NM_033360.4).
Identifiers: ClinVar variation 4974546 (VCV004974546.1).

ClinVar aggregate classification (germline): Likely pathogenic (1 of 4 stars; one submission).

Conditions:
Cerebral arteriovenous malformation (BAVM). Also called: CEREBRAL ARTERIOVENOUS MALFORMATIONS; Arteriovenous malformations of the brain. Identifiers: Orphanet 46724, MedGen C0917804, MONDO:0007154, OMIM 108010, HP:0002408.

Submission:

Clinical Genomics Laboratory, Washington University in St. Louis
Classification: Likely pathogenic for Cerebral arteriovenous malformation. Last evaluated: 2025-10-31. Review status: criteria provided, single submitter. Criteria: Leon-Quintero et al. (Clin Genet. 2025). Collection method: clinical testing. Allele origin: somatic. Affected: yes.
Comment: A KRAS c.197_198delinsACCAGTAC (p.Ala66delinsAspGlnTyr) variant was identified at an allelic fraction consistent with somatic origin. The KRAS c.197_198delinsACCAGTAC (p.Ala66delinsAspGlnTyr) variant, to our knowledge, has not been reported in the medical literature; however, many other similar somatic in-frame indels in this region of KRAS have been reported in affected individuals (Hou CYC et al., PMID: 36571464; Eijkelenboom A et al., PMID: 31160609; Nagai K et al., PMID: 34618388). This variant is absent from the general population (gnomAD v4.1.0), indicating it is not a common variant. It is predicted to cause a change in the length of the protein due to the removal of the alanine residue at amino acid 66, followed by an in-frame insertion of three amino acids in a non-repeat region. This variant resides within a region, the switch II domain, amino acids 60-76 of KRAS, that is defined as a critical functional domain (Hou CYC et al., PMID: 36571464). Based on available information and an internally developed protocol informed by the ACMG/AMP guidelines for variant interpretation and gene-specific practices from the ClinGen Criteria Specification Registry (Leon-Quintero FZ et al., PMID: 39434542), the KRAS c.197_198delinsACCAGTAC (p.Ala66delinsAspGlnTyr) variant is classified as likely pathogenic.